The following is an entry in ClinVar:

ClinVar aggregate classification (germline): Pathogenic. Review status: criteria provided, multiple submitters, no conflicts (2 of 4 stars). 3 submissions from 3 submitters: Pathogenic (3). Last evaluated 2025-10-03.

Conditions:
KBG syndrome (KBGS). Also called: ANKRD11-Related KBG Syndrome. Identifiers: Orphanet 2332, MedGen C0220687, MONDO:0007846, OMIM 148050.

Submissions (3):

Labcorp Genetics (formerly Invitae), Labcorp
Classification: Pathogenic for KBG syndrome. Last evaluated: 2025-10-03. Review status: criteria provided, single submitter. Criteria: Invitae Variant Classification Sherloc (09022015). Collection method: clinical testing. Allele origin: germline.
Comment: This sequence change creates a premature translational stop signal (p.Arg1019Glyfs*14) in the ANKRD11 gene. It is expected to result in an absent or disrupted protein product. Loss-of-function variants in ANKRD11 are known to be pathogenic (PMID: 21782149, 25125236, 25413698, 25652421). This variant is not present in population databases (gnomAD no frequency). This premature translational stop signal has been observed in individual(s) with ANKRD11-related condtions (PMID: 35861666). ClinVar contains an entry for this variant (Variation ID: 986895). For these reasons, this variant has been classified as Pathogenic.

GeneDx
Classification: Pathogenic. Last evaluated: 2021-09-24. Review status: criteria provided, single submitter. Criteria: GeneDx Variant Classification Process June 2021. Collection method: clinical testing. Allele origin: germline. Affected: yes.
Comment: Frameshift variant predicted to result in protein truncation or nonsense mediated decay in a gene for which loss-of-function is a known mechanism of disease; Not observed in large population cohorts (Lek et al., 2016); Has not been previously published as pathogenic or benign to our knowledge

Institute of Medical Genetics and Applied Genomics, University Hospital Tübingen
Classification: Pathogenic. Last evaluated: 2020-10-23. Review status: criteria provided, single submitter. Criteria: ACMG Guidelines, 2015. Collection method: clinical testing. Allele origin: germline. Inheritance: Unknown mechanism. Affected: yes.

Literature cited by the submitters: PubMed 21782149 (cited by Labcorp Genetics (formerly Invitae), Labcorp); PubMed 25125236 (cited by Labcorp Genetics (formerly Invitae), Labcorp); PubMed 25413698 (cited by Labcorp Genetics (formerly Invitae), Labcorp); PubMed 25652421 (cited by Labcorp Genetics (formerly Invitae), Labcorp); PubMed 35861666 (cited by Labcorp Genetics (formerly Invitae), Labcorp).

NM_013275.6(ANKRD11):c.3055_3059del (p.Arg1019fs)

Gene: ANKRD11 (ankyrin repeat domain 11; minus strand). Cytogenetic location: 16q24.3.
Variant type: Microsatellite.
Coding change: c.3055_3059del on transcript NM_013275.6 (MANE Select); coding-DNA positions 3055 to 3059, 5 bases deleted (AGGAA; older notation c.3055_3059delAGGAA).
Protein change: p.Arg1019fs; shifts the reading frame from arginine 1019.
Molecular consequence: frameshift variant.
Genome position (GRCh38, 1-based): chr16:89,283,483-89,283,487, TTCCT deleted on the plus strand (AGGAA on the coding strand, the reverse complement: ANKRD11 is on the minus strand); deleting any 5 consecutive bases within chr16:89,283,483-89,283,493 gives the same sequence; the c. name uses the placement nearest the transcript's 3' end. VCF-style (leftmost placement, unchanged base first): chr16-89283482-CTTCCT-C. GRCh37 (hg19) VCF-style: chr16-89349890-CTTCCT-C.
Other names: c.3055_3059del, p.Arg1019fs (NM_001256182.2, NM_001256183.2); short protein forms R1019fs.
Identifiers: ClinVar variation 986895 (VCV000986895.5), dbSNP rs2034426914, ClinGen allele CA980391793.
Genomic context (GRCh38, chr16:89,283,482, plus strand): 5'-TTTCTCACTTTTGTCCTTGTCACTGGATTTCTCTTTGTATCTTTCTGGTTTTGTCTTCTC[CTTCCT>C]TTCCTTATCGGGGCCATCCTTCTTCTCCTTCTCTCGTGCTGGGTGGTGCCGTTCCCACGG-3'